The following is an entry in ClinVar:

ClinVar aggregate classification (germline): Pathogenic (1 of 4 stars; one submission).

Conditions:
Hereditary cancer-predisposing syndrome. Also called: Neoplastic Syndromes, Hereditary; Tumor predisposition; Hereditary neoplastic syndrome; Hereditary Cancer Syndrome. Identifiers: Orphanet 140162, MedGen C0027672, MeSH D009386, MONDO:0015356.

Submission:

Ambry Genetics
Classification: Pathogenic for Hereditary cancer-predisposing syndrome. Last evaluated: 2023-12-07. Review status: criteria provided, single submitter. Criteria: Ambry Variant Classification Scheme 2023. Collection method: clinical testing. Allele origin: germline.
Comment: The c.597delG pathogenic mutation, located in coding exon 5 of the APC gene, results from a deletion of one nucleotide at nucleotide position 597, causing a translational frameshift with a predicted alternate stop codon (p.M200Wfs*5). This variant is considered to be rare based on population cohorts in the Genome Aggregation Database (gnomAD). This alteration is expected to result in loss of function by premature protein truncation or nonsense-mediated mRNA decay. As such, this alteration is interpreted as a disease-causing mutation.

NM_000038.6(APC):c.597del (p.Met200fs)

Gene: APC (APC regulator of Wnt signaling pathway; plus strand). Cytogenetic location: 5q22.2.
Variant type: Deletion.
Coding change: c.597del on transcript NM_000038.6 (MANE Select); coding-DNA position 597, one base deleted (G; older notation c.597delG).
Protein change: p.Met200fs; shifts the reading frame from methionine 200.
Molecular consequence: frameshift variant. On other transcripts: 5 prime UTR variant (4), non-coding transcript variant (2).
Genome position (GRCh38, 1-based): chr5:112,780,855, G deleted. VCF-style (leftmost placement, unchanged base first): chr5-112780854-CG-C. GRCh37 (hg19) VCF-style: chr5-112116551-CG-C.
Other names: c.597del, p.Met200fs (NM_001354899.2, NM_001354903.2, NM_001407447.1 and 16 more transcripts); c.420del, p.Met141fs (NM_001354900.2, NM_001354901.2, NM_001354905.2 and 1 more transcripts); c.627del, p.Met210fs (NM_001354902.2, NM_001407446.1, NM_001127511.3 and 1 more transcripts); c.522del, p.Met175fs (NM_001354904.2, NM_001407451.1, NM_001354898.2); c.-439del (NM_001354906.2, NM_001407470.1, NM_001407471.1 and 1 more transcripts); short protein forms M141fs, M175fs, M200fs, M210fs.
Identifiers: ClinVar variation 3230820 (VCV003230820.1), dbSNP rs2532487986, ClinGen allele CA2825001337.